The following is an entry in ClinVar:

NM_000096.4(CP):c.2953A>G (p.Met985Val)

Gene: CP (ceruloplasmin; minus strand). Cytogenetic location: 3q24.
Variant type: single nucleotide variant.
Coding change: c.2953A>G on transcript NM_000096.4 (MANE Select); coding-DNA position 2953, A replaced by G.
Protein change: p.Met985Val; replaces methionine 985 with valine.
Molecular consequence: missense variant. On other transcripts: non-coding transcript variant (1).
Genome position (GRCh38, 1-based): chr3:149,177,905, T>C on the plus strand (A>G on the coding strand, the complement: CP is on the minus strand). VCF-style: chr3-149177905-T-C. GRCh37 (hg19) VCF-style: chr3-148895692-T-C.
Other names: M966V; short protein forms M985V.
Identifiers: ClinVar variation 42062 (VCV000042062.3), dbSNP rs386134132, ClinGen allele CA344494.

ClinVar aggregate classification (germline): Pathogenic (0 of 4 stars; one submission).

Conditions:
Deficiency of ferroxidase (ACEP). Also called: Deficiency of ceruloplasmin; Aceruloplasminemia; Ceruloplasmin deficiency; Familial apoceruloplasmin deficiency; Hereditary ceruloplasmin deficiency; NEURODEGENERATION WITH BRAIN IRON ACCUMULATION 10. Identifiers: Orphanet 48818, MedGen C0878682, MONDO:0011426, OMIM 604290, HP:0025498.

Submission:

GeneReviews
Classification: Pathogenic for Aceruloplasminemia. Last evaluated: 2013-04-18. Review status: no assertion criteria provided. Collection method: curation. Allele origin: unknown.
ClinVar note: Converted during submission from pathologic to Pathogenic.